The following is an entry in ClinVar:

ClinVar aggregate classification (germline): Pathogenic. Review status: criteria provided, multiple submitters, no conflicts (2 of 4 stars). 2 submissions from 2 submitters: Pathogenic (2). Last evaluated 2025-08-21.

Conditions:
Polycystic kidney disease, adult type (PKD1). Also called: POLYCYSTIC KIDNEY DISEASE, ADULT, TYPE I; Polycystic Kidney Disease 1, Autosomal Dominant; Polycystic kidney disease 1; Polycystic kidney disease 1, severe; Polycystic Kidney, Autosomal Dominant; POLYCYSTIC KIDNEY DISEASE 1 WITH OR WITHOUT POLYCYSTIC LIVER DISEASE. Identifiers: MedGen C3149841, MONDO:0008263, OMIM 173900.

Submissions (2):

3billion
Classification: Pathogenic for Polycystic kidney disease, adult type. Last evaluated: 2025-08-21. Review status: criteria provided, single submitter. Criteria: ACMG Guidelines, 2015. Collection method: clinical testing. Allele origin: germline. Affected: yes.
Comment: The variant is not observed in the gnomAD v4.1.0 dataset. Predicted Consequence/Location: Canonical splice site: predicted to alter splicing and result in a loss or disruption of normal protein function. Multiple pathogenic loss-of-function variants are reported downstream of the variant. In silico tools predict the variant to alter splicing and produce an abnormal transcript [SpliceAI: 0.98 (spliceogenicity >=0.2, non-spliceogenicity <0.1)]. The variant has been reported to be associated with PKD1-related disorder (ClinVar ID: VCV000986356 /PMID: 24611717). Therefore, this variant is classified as Pathogenic according to the recommendation of ACMG/AMP guideline.

Rady Children's Institute for Genomic Medicine, Rady Children's Hospital San Diego
Classification: Pathogenic for Autosomal Dominant Polycystic Kidney Disease 1. Last evaluated: 2019-05-15. Review status: criteria provided, single submitter. Criteria: ACMG Guidelines, 2015. Collection method: clinical testing. Allele origin: germline. Affected: yes.
Comment: This variant affects the canonical splice donor site of intron 23 of 45, and is therefore predicted to interfere with splicing and result in loss of normal protein function. This variant has been previously reported as a heterozygous change in patients with autosomal dominant polycystic kidney disease (PMID: 24611717). It is absent from the ExAC and gnomAD population databases and thus is presumed to be rare. Multiple splice prediction tools suggest this variant is likely to interfere with normal splicing. Analysis of the parental samples was negative for the variant, indicating this variant likely occurred as a de novo event. Based on the available evidence, the c.8791+1G>A variant is classified as Pathogenic.

Literature cited by the submitters: PubMed 24611717 (cited by 3billion).

NM_001009944.3(PKD1):c.8791+1G>A

Gene: PKD1 (polycystin 1, transient receptor potential channel interacting; minus strand). Cytogenetic location: 16p13.3.
Variant type: single nucleotide variant.
Coding change: c.8791+1G>A on transcript NM_001009944.3 (MANE Select); the canonical splice donor site of the intron after coding-DNA position 8791, G replaced by A.
Molecular consequence: splice donor variant.
Genome position (GRCh38, 1-based): chr16:2,103,265, C>T on the plus strand (G>A on the coding strand, the complement: PKD1 is on the minus strand). VCF-style: chr16-2103265-C-T. GRCh37 (hg19) VCF-style: chr16-2153266-C-T.
Other names: c.8791+1G>A (NM_000296.4).
Identifiers: ClinVar variation 986356 (VCV000986356.2), dbSNP rs2092177236, ClinGen allele CA394362003.